The following is an entry in ClinVar:

ClinVar aggregate classification (germline): Uncertain significance. Review status: criteria provided, multiple submitters, no conflicts (2 of 4 stars). 2 submissions from 2 submitters: Uncertain significance (2). Last evaluated 2025-11-05.

Conditions:
Hereditary cancer-predisposing syndrome. Also called: Neoplastic Syndromes, Hereditary; Tumor predisposition; Hereditary Cancer Syndrome; Hereditary neoplastic syndrome. Identifiers: Orphanet 140162, MedGen C0027672, MeSH D009386, MONDO:0015356.

Submissions (2):

Ambry Genetics
Classification: Uncertain significance for Hereditary cancer-predisposing syndrome. Last evaluated: 2025-11-05. Review status: criteria provided, single submitter. Criteria: Ambry Variant Classification Scheme 2023. Collection method: clinical testing. Allele origin: germline.
Comment: The p.R728G variant (also known as c.2182C>G), located in coding exon 20 of the POLE gene, results from a C to G substitution at nucleotide position 2182. The arginine at codon 728 is replaced by glycine, an amino acid with dissimilar properties. This amino acid position is conserved. In addition, the in silico prediction for this alteration is inconclusive. Based on the available evidence, the clinical significance of this variant remains unclear.

Labcorp Genetics (formerly Invitae), Labcorp
Classification: Uncertain significance. Last evaluated: 2023-08-09. Review status: criteria provided, single submitter. Criteria: Invitae Variant Classification Sherloc (09022015). Collection method: clinical testing. Allele origin: germline.
Comment: In summary, the available evidence is currently insufficient to determine the role of this variant in disease. Therefore, it has been classified as a Variant of Uncertain Significance. This variant has not been reported in the literature in individuals affected with POLE-related conditions. Advanced modeling of protein sequence and biophysical properties (such as structural, functional, and spatial information, amino acid conservation, physicochemical variation, residue mobility, and thermodynamic stability) performed at Invitae indicates that this missense variant is expected to disrupt POLE protein function. ClinVar contains an entry for this variant (Variation ID: 2116742). This variant is not present in population databases (gnomAD no frequency). This sequence change replaces arginine, which is basic and polar, with glycine, which is neutral and non-polar, at codon 728 of the POLE protein (p.Arg728Gly).

NM_006231.4(POLE):c.2182C>G (p.Arg728Gly)

Gene: POLE (DNA polymerase epsilon, catalytic subunit; minus strand). Cytogenetic location: 12q24.33.
Variant type: single nucleotide variant.
Coding change: c.2182C>G on transcript NM_006231.4 (MANE Select); coding-DNA position 2182, C replaced by G.
Protein change: p.Arg728Gly; replaces arginine 728 with glycine.
Molecular consequence: missense variant.
Genome position (GRCh38, 1-based): chr12:132,667,640, G>C on the plus strand (C>G on the coding strand, the complement: POLE is on the minus strand). VCF-style: chr12-132667640-G-C. GRCh37 (hg19) VCF-style: chr12-133244226-G-C.
Other names: c.2182C>G (NM_006231.2); short protein forms R728G.
Identifiers: ClinVar variation 2116742 (VCV002116742.5), dbSNP rs1020252487, ClinGen allele CA387353300.